The following is an entry in ClinVar:

ClinVar aggregate classification (germline): Uncertain significance (1 of 4 stars; one submission).

Conditions:
Osteogenesis imperfecta type I (OI1). Also called: Osteogenesis imperfecta type 1; Lobstein's Disease; Lobstein disease; Classic Non-deforming Osteogenesis Imperfecta with Blue Sclerae; OI, TYPE I; OSTEOGENESIS IMPERFECTA TARDA. Identifiers: Orphanet 216796, Orphanet 666, MedGen C0023931, MONDO:0008146, OMIM 166200. Disease mechanism: loss of function.

Submission:

Labcorp Genetics (formerly Invitae), Labcorp
Classification: Uncertain significance for Osteogenesis imperfecta type I. Last evaluated: 2025-09-15. Review status: criteria provided, single submitter. Criteria: Invitae Variant Classification Sherloc (09022015). Collection method: clinical testing. Allele origin: germline.
Comment: This sequence change replaces threonine, which is neutral and polar, with serine, which is neutral and polar, at codon 337 of the COL1A1 protein (p.Thr337Ser). This variant is not present in population databases (gnomAD no frequency). This variant has not been reported in the literature in individuals affected with COL1A1-related conditions. Invitae Evidence Modeling of protein sequence and biophysical properties (such as structural, functional, and spatial information, amino acid conservation, physicochemical variation, residue mobility, and thermodynamic stability) indicates that this missense variant is not expected to disrupt COL1A1 protein function with a negative predictive value of 95%. In summary, the available evidence is currently insufficient to determine the role of this variant in disease. Therefore, it has been classified as a Variant of Uncertain Significance.

NM_000088.4(COL1A1):c.1009A>T (p.Thr337Ser)

Gene: COL1A1 (collagen type I alpha 1 chain; minus strand). Cytogenetic location: 17q21.33.
Variant type: single nucleotide variant.
Coding change: c.1009A>T on transcript NM_000088.4 (MANE Select); coding-DNA position 1009, A replaced by T.
Protein change: p.Thr337Ser; replaces threonine 337 with serine.
Molecular consequence: missense variant.
Genome position (GRCh38, 1-based): chr17:50,195,970, T>A on the plus strand (A>T on the coding strand, the complement: COL1A1 is on the minus strand). VCF-style: chr17-50195970-T-A. GRCh37 (hg19) VCF-style: chr17-48273331-T-A.
Other names: short protein forms T337S.
Identifiers: ClinVar variation 4767782 (VCV004767782.1).